The following is an entry in ClinVar:

ClinVar aggregate classification (germline): Uncertain significance. Review status: criteria provided, multiple submitters, no conflicts (2 of 4 stars). 2 submissions from 2 submitters: Uncertain significance (2). Last evaluated 2024-03-22.

Conditions:
Hereditary cancer-predisposing syndrome. Also called: Tumor predisposition; Hereditary neoplastic syndrome; Hereditary Cancer Syndrome; Neoplastic Syndromes, Hereditary. Identifiers: Orphanet 140162, MedGen C0027672, MeSH D009386, MONDO:0015356.

Submissions (2):

Ambry Genetics
Classification: Uncertain significance for Hereditary cancer-predisposing syndrome. Last evaluated: 2024-03-22. Review status: criteria provided, single submitter. Criteria: Ambry Variant Classification Scheme 2023. Collection method: clinical testing. Allele origin: germline.
Comment: The c.1763+3A>G intronic variant results from an A to G substitution 3 nucleotides after coding exon 12 in the MSH3 gene. This nucleotide position is well conserved in available vertebrate species. In silico splice site analysis predicts that this alteration may weaken the native splice donor site. Based on the available evidence, the clinical significance of this alteration remains unclear.

Labcorp Genetics (formerly Invitae), Labcorp
Classification: Uncertain significance. Last evaluated: 2020-01-15. Review status: criteria provided, single submitter. Criteria: Invitae Variant Classification Sherloc (09022015). Collection method: clinical testing. Allele origin: germline.
Comment: In summary, the available evidence is currently insufficient to determine the role of this variant in disease. Therefore, it has been classified as a Variant of Uncertain Significance. Nucleotide substitutions within the consensus splice site are a relatively common cause of aberrant splicing (PMID: 17576681, 9536098). Algorithms developed to predict the effect of sequence changes on RNA splicing suggest that this variant may disrupt the consensus splice site, but this prediction has not been confirmed by published transcriptional studies. This variant has not been reported in the literature in individuals with MSH3-related conditions. This variant is not present in population databases (ExAC no frequency). This sequence change falls in intron 12 of the MSH3 gene. It does not directly change the encoded amino acid sequence of the MSH3 protein, but it affects a nucleotide within the consensus splice site of the intron.

Literature cited by the submitters: PubMed 17576681 (cited by Labcorp Genetics (formerly Invitae), Labcorp); PubMed 9536098 (cited by Labcorp Genetics (formerly Invitae), Labcorp).

NM_002439.5(MSH3):c.1763+3A>G

Gene: MSH3 (mutS homolog 3; plus strand). Cytogenetic location: 5q14.1.
Variant type: single nucleotide variant.
Coding change: c.1763+3A>G on transcript NM_002439.5 (MANE Select); 3 bases into the intron after coding-DNA position 1763, A replaced by G.
Molecular consequence: intron variant.
Genome position (GRCh38, 1-based): chr5:80,744,618, A>G. VCF-style: chr5-80744618-A-G. GRCh37 (hg19) VCF-style: chr5-80040437-A-G.
Other names: c.1763+3A>G (NM_002439.3).
Identifiers: ClinVar variation 1052965 (VCV001052965.8), dbSNP rs2112869022, ClinGen allele CA2499217950.
Genomic context (GRCh38, chr5:80,744,618, plus strand): 5'-CTTCATTTGGGAGACGGAAGTTAAAGAAGTGGGTGACCCAGCCACTCCTTAAATTAAGGT[A>G]AAAGGAATTCTTTTTGGGGTGTTTAATCTGAAATTATAAAATTTTGAAATTAAAGGCATT-3'